The following is an entry in ClinVar:

NM_014339.7(IL17RA):c.20C>T (p.Pro7Leu)

Genes: IL17RA (interleukin 17 receptor A; plus strand), LOC130066894 (ATAC-STARR-seq lymphoblastoid silent region 13430; plus strand). Cytogenetic location: 22q11.1.
Variant type: single nucleotide variant.
Coding change: c.20C>T on transcript NM_014339.7 (MANE Select); coding-DNA position 20, C replaced by T.
Protein change: p.Pro7Leu; replaces proline 7 with leucine.
Molecular consequence: missense variant.
Genome position (GRCh38, 1-based): chr22:17,085,111, C>T. VCF-style: chr22-17085111-C-T. GRCh37 (hg19) VCF-style: chr22-17566001-C-T.
Other names: c.20C>T, p.Pro7Leu (NM_001289905.2); short protein forms P7L.
Identifiers: ClinVar variation 340562 (VCV000340562.34), dbSNP rs143652002, ClinGen allele CA10086205.

ClinVar aggregate classification (germline): Likely benign. Review status: criteria provided, multiple submitters, no conflicts (2 of 4 stars). 7 submissions from 7 submitters: Likely benign (4). 3 of the submissions do not count toward it. Last evaluated 2026-01-26.

Conditions:
IL17RA-related disorder. Also called: IL17RA-related condition.
Immunodeficiency 51 (IMD51). Also called: CANDIDIASIS, FAMILIAL, 5. Identifiers: Orphanet 1334, MedGen C4310803, MONDO:0013500, OMIM 613953.

Allele frequency attached by ClinVar (database versions not stated): 1000 Genomes Project 0.00100; 1000 Genomes Project 30x 0.00187; gnomAD 0.00316; TOPMed 0.00410; gnomAD exomes 0.00588 and 0.00625; ExAC 0.01010.
gnomAD v4.1: 8,130 of 1,374,558 alleles (0.59%); highest among the groups gnomAD compares: Non-Finnish European, 0.7%; 32 homozygotes.

Submissions (7):

Labcorp Genetics (formerly Invitae), Labcorp
Classification: Likely benign for Immunodeficiency 51. Last evaluated: 2026-01-26. Review status: criteria provided, single submitter. Criteria: Invitae Variant Classification Sherloc (09022015). Collection method: clinical testing. Allele origin: germline.

CeGaT Center for Human Genetics Tuebingen
Classification: Likely benign. Last evaluated: 2024-12-01. Review status: criteria provided, single submitter. Criteria: CeGaT Center For Human Genetics Tuebingen Variant Classification Criteria Version 2. Collection method: clinical testing. Allele origin: germline. Affected: yes. Observed: 1 variant allele.
Comment: IL17RA: BS2

Blueprint Genetics
Classification: Likely benign. Last evaluated: 2024-11-27. Review status: criteria provided, single submitter. Criteria: ACMG Guidelines, 2015. Collection method: clinical testing. Allele origin: germline.

Breakthrough Genomics
Classification: Likely benign. Review status: criteria provided, single submitter. Criteria: ACMG Guidelines, 2015. Collection method: not provided. Allele origin: germline. Inheritance: Autosomal recessive inheritance. Affected: yes.

PreventionGenetics, part of Exact Sciences
Classification: Likely benign for IL17RA-related condition. Last evaluated: 2020-07-27. Review status: no assertion criteria provided. Collection method: clinical testing. Allele origin: germline. Not counted in ClinVar's aggregate classification.
Comment: This variant is classified as likely benign based on ACMG/AMP sequence variant interpretation guidelines (Richards et al. 2015 PMID: 25741868, with internal and published modifications).

Clinical Genetics DNA and cytogenetics Diagnostics Lab, Erasmus MC, Erasmus Medical Center
Classification: Likely benign. Review status: no assertion criteria provided. Collection method: clinical testing. Allele origin: germline. Affected: yes. Study: VKGL Data-share Consensus. Not counted in ClinVar's aggregate classification.

Genome Diagnostics Laboratory, University Medical Center Utrecht
Classification: Likely benign. Review status: no assertion criteria provided. Collection method: clinical testing. Allele origin: germline. Affected: yes. Study: VKGL Data-share Consensus. Not counted in ClinVar's aggregate classification.